The following is an entry in ClinVar:

NM_000535.7(PMS2):c.1286C>G (p.Thr429Arg)

Gene: PMS2 (PMS1 homolog 2, mismatch repair system component; minus strand). Cytogenetic location: 7p22.1.
Variant type: single nucleotide variant.
Coding change: c.1286C>G on transcript NM_000535.7 (MANE Select); coding-DNA position 1286, C replaced by G.
Protein change: p.Thr429Arg; replaces threonine 429 with arginine.
Molecular consequence: missense variant. On other transcripts: non-coding transcript variant (1).
Genome position (GRCh38, 1-based): chr7:5,987,479, G>C on the plus strand (C>G on the coding strand, the complement: PMS2 is on the minus strand). VCF-style: chr7-5987479-G-C. GRCh37 (hg19) VCF-style: chr7-6027110-G-C.
Other names: c.881C>G, p.Thr294Arg (NM_001322003.2, NM_001322004.2, NM_001322005.2 and 1 more transcripts); c.1130C>G, p.Thr377Arg (NM_001322006.2); c.968C>G, p.Thr323Arg (NM_001322007.2, NM_001322008.2); c.725C>G, p.Thr242Arg (NM_001322010.2); c.353C>G, p.Thr118Arg (NM_001322011.2, NM_001322012.2); c.713C>G, p.Thr238Arg (NM_001322013.2); c.1286C>G, p.Thr429Arg (NM_001322014.2); c.977C>G, p.Thr326Arg (NM_001322015.2); short protein forms T429R, T377R, T242R, T294R, T118R, T238R, T323R, T326R.
Identifiers: ClinVar variation 490092 (VCV000490092.5), dbSNP rs1554297938, ClinGen allele CA366742412.

ClinVar aggregate classification (germline): Uncertain significance. Review status: criteria provided, multiple submitters, no conflicts (2 of 4 stars). 2 submissions from 2 submitters: Uncertain significance (2). Last evaluated 2025-11-05.

Conditions:
Hereditary nonpolyposis colorectal neoplasms. Identifiers: MedGen C0009405, MeSH D003123.
Hereditary cancer-predisposing syndrome. Also called: Hereditary Cancer Syndrome; Neoplastic Syndromes, Hereditary; Tumor predisposition; Hereditary neoplastic syndrome. Identifiers: Orphanet 140162, MedGen C0027672, MeSH D009386, MONDO:0015356.

Submissions (2):

Labcorp Genetics (formerly Invitae), Labcorp
Classification: Uncertain significance for Hereditary nonpolyposis colorectal neoplasms. Last evaluated: 2025-11-05. Review status: criteria provided, single submitter. Criteria: Invitae Variant Classification Sherloc (09022015). Collection method: clinical testing. Allele origin: germline.
Comment: This sequence change replaces threonine, which is neutral and polar, with arginine, which is basic and polar, at codon 429 of the PMS2 protein (p.Thr429Arg). This variant is not present in population databases (gnomAD no frequency). This variant has not been reported in the literature in individuals affected with PMS2-related conditions. ClinVar contains an entry for this variant (Variation ID: 490092). Invitae Evidence Modeling incorporating data from in vitro experimental studies (internal data) indicates that this missense variant is not expected to disrupt PMS2 function with a negative predictive value of 95%. In summary, the available evidence is currently insufficient to determine the role of this variant in disease. Therefore, it has been classified as a Variant of Uncertain Significance.

Color Diagnostics, LLC DBA Color Health
Classification: Uncertain significance for Hereditary cancer-predisposing syndrome. Last evaluated: 2018-12-26. Review status: criteria provided, single submitter. Criteria: ACMG Guidelines, 2015. Collection method: clinical testing. Allele origin: germline.